The following is an entry in ClinVar:

ClinVar aggregate classification (germline): Uncertain significance. Review status: criteria provided, multiple submitters, no conflicts (2 of 4 stars). 2 submissions from 2 submitters: Uncertain significance (2). Last evaluated 2024-11-16.

Allele frequency attached by ClinVar (database versions not stated): gnomAD exomes 0.00003 and 0.00009; ExAC 0.00009; 1000 Genomes Project 30x 0.00016; 1000 Genomes Project 0.00020; gnomAD 0.00021; TOPMed 0.00031.
gnomAD v4.1: 81 of 1,614,150 alleles (0.005%); highest among the groups gnomAD compares: African/African-American, 0.065%; no homozygotes.

Submissions (2):

Labcorp Genetics (formerly Invitae), Labcorp
Classification: Uncertain significance. Last evaluated: 2024-11-16. Review status: criteria provided, single submitter. Criteria: Invitae Variant Classification Sherloc (09022015). Collection method: clinical testing. Allele origin: germline.
Comment: This sequence change replaces alanine, which is neutral and non-polar, with threonine, which is neutral and polar, at codon 1111 of the CNGB1 protein (p.Ala1111Thr). This variant is present in population databases (rs199660047, gnomAD 0.1%). This variant has not been reported in the literature in individuals affected with CNGB1-related conditions. ClinVar contains an entry for this variant (Variation ID: 968896). Invitae Evidence Modeling of protein sequence and biophysical properties (such as structural, functional, and spatial information, amino acid conservation, physicochemical variation, residue mobility, and thermodynamic stability) indicates that this missense variant is not expected to disrupt CNGB1 protein function with a negative predictive value of 80%. In summary, the available evidence is currently insufficient to determine the role of this variant in disease. Therefore, it has been classified as a Variant of Uncertain Significance.

Blueprint Genetics
Classification: Uncertain significance. Last evaluated: 2024-09-04. Review status: criteria provided, single submitter. Criteria: ACMG Guidelines, 2015. Collection method: clinical testing. Allele origin: germline.

NM_001297.5(CNGB1):c.3331G>A (p.Ala1111Thr)

Gene: CNGB1 (cyclic nucleotide gated channel subunit beta 1; minus strand). Cytogenetic location: 16q21.
Variant type: single nucleotide variant.
Coding change: c.3331G>A on transcript NM_001297.5 (MANE Select); coding-DNA position 3331, G replaced by A.
Protein change: p.Ala1111Thr; replaces alanine 1111 with threonine.
Molecular consequence: missense variant.
Genome position (GRCh38, 1-based): chr16:57,887,986, C>T on the plus strand (G>A on the coding strand, the complement: CNGB1 is on the minus strand). VCF-style: chr16-57887986-C-T. GRCh37 (hg19) VCF-style: chr16-57921890-C-T.
Other names: c.3313G>A, p.Ala1105Thr (NM_001286130.2); short protein forms A1111T, A1105T.
Identifiers: ClinVar variation 968896 (VCV000968896.8), dbSNP rs199660047, ClinGen allele CA8082592.